The following is an entry in ClinVar:

ClinVar aggregate classification (germline): Uncertain significance. Review status: criteria provided, multiple submitters, no conflicts (2 of 4 stars). 4 submissions from 4 submitters: Uncertain significance (2). 2 of the submissions do not count toward it. Last evaluated 2024-10-22.

Conditions:
Left ventricular noncompaction 8 (LVNC8). Identifiers: Orphanet 154, Orphanet 54260, MedGen C3809288, MONDO:0014152, OMIM 615373.

Allele frequency attached by ClinVar (database versions not stated): gnomAD exomes 0.00002 and 0.00005; ExAC 0.00006; gnomAD 0.00006 and 0.00007; TOPMed 0.00007; 1000 Genomes Project 30x 0.00016; 1000 Genomes Project 0.00020.
gnomAD v4.1: 37 of 1,613,952 alleles (0.0023%); highest among the groups gnomAD compares: East Asian, 0.022%; no homozygotes.

Submissions (4):

Labcorp Genetics (formerly Invitae), Labcorp
Classification: Uncertain significance for Left ventricular noncompaction 8. Last evaluated: 2024-10-22. Review status: criteria provided, single submitter. Criteria: Invitae Variant Classification Sherloc (09022015). Collection method: clinical testing. Allele origin: germline.
Comment: This sequence change replaces threonine, which is neutral and polar, with methionine, which is neutral and non-polar, at codon 133 of the PRDM16 protein (p.Thr133Met). This variant is present in population databases (rs530119550, gnomAD 0.05%). This missense change has been observed in individual(s) with hypertrophic cardiomyopathy (PMID: 30847666). ClinVar contains an entry for this variant (Variation ID: 451127). An algorithm developed to predict the effect of missense changes on protein structure and function (PolyPhen-2) suggests that this variant is likely to be tolerated. In summary, the available evidence is currently insufficient to determine the role of this variant in disease. Therefore, it has been classified as a Variant of Uncertain Significance.

GeneDx
Classification: Uncertain significance. Last evaluated: 2017-08-03. Review status: criteria provided, single submitter. Criteria: GeneDx Variant Classification (06012015). Collection method: clinical testing. Allele origin: germline. Affected: yes.
Comment: A variant of uncertain significance has been identified in the ACTN2 gene. The T133M variant has not been published as pathogenic or been reported as benign to our knowledge. This variant is observed in 0.1% alleles from individuals of South or East Asian ancestry in large population cohorts (Lek et al., 2016; 1000 Genomes Consortium et al., 2015; Exome Variant Server). This substitution occurs at a position that is not conserved across species and where methionine (M) is present as the wild type in at least one species. In silico analysis is inconsistent in its predictions as to whether or not the variant is damaging to the protein structure/function. Nevertheless, the T133M variant is a non-conservative amino acid substitution, which is likely to impact secondary protein structure as these residues differ in polarity, charge, size and/or other properties.

Clinical Genetics, Academic Medical Center
Classification: Uncertain significance. Review status: no assertion criteria provided. Collection method: clinical testing. Allele origin: germline. Affected: yes. Study: VKGL Data-share Consensus. Not counted in ClinVar's aggregate classification.

Diagnostic Laboratory, Department of Genetics, University Medical Center Groningen
Classification: Uncertain significance. Review status: no assertion criteria provided. Collection method: clinical testing. Allele origin: germline. Affected: yes. Study: VKGL Data-share Consensus. Not counted in ClinVar's aggregate classification.

Literature cited by the submitters: PubMed 30847666 (cited by Labcorp Genetics (formerly Invitae), Labcorp).

NM_022114.4(PRDM16):c.398C>T (p.Thr133Met)

Gene: PRDM16 (PR/SET domain 16; plus strand). Cytogenetic location: 1p36.32.
Variant type: single nucleotide variant.
Coding change: c.398C>T on transcript NM_022114.4 (MANE Select); coding-DNA position 398, C replaced by T.
Protein change: p.Thr133Met; replaces threonine 133 with methionine.
Molecular consequence: missense variant.
Genome position (GRCh38, 1-based): chr1:3,244,097, C>T. VCF-style: chr1-3244097-C-T. GRCh37 (hg19) VCF-style: chr1-3160661-C-T.
Other names: c.398C>T, p.Thr133Met (NM_199454.3); short protein forms T133M.
Identifiers: ClinVar variation 451127 (VCV000451127.11), dbSNP rs530119550, ClinGen allele CA543781.